The following is an entry in ClinVar:

ClinVar aggregate classification (germline): Uncertain significance. Review status: criteria provided, multiple submitters, no conflicts (2 of 4 stars). 3 submissions from 3 submitters: Uncertain significance (3). Last evaluated 2026-04-16.

Conditions:
WNK1-related disorder. Also called: WNK1-related condition.
Neuropathy, hereditary sensory and autonomic, type 2A (HSAN2A). Also called: ACROOSTEOLYSIS, GIACCAI TYPE; ACROOSTEOLYSIS, NEUROGENIC; HSAN IIA; WNK1-Related HSAN2 (HSAN2A); MORVAN DISEASE; NEUROPATHY, CONGENITAL SENSORY. Identifiers: Orphanet 970, MedGen C2752089, MONDO:0024309, OMIM 201300.
Pseudohypoaldosteronism type 2C (PHA2C). Also called: Pseudohypoaldosteronism Type IIC. Identifiers: Orphanet 757, Orphanet 88940, MedGen C1840391, MONDO:0013778, OMIM 614492.

Allele frequency attached by ClinVar (database versions not stated): ExAC 0.00001; gnomAD 0.00001; gnomAD exomes 0.00001; TOPMed 0.00002.
gnomAD v4.1: 9 of 1,613,730 alleles (0.00056%); highest among the groups gnomAD compares: Admixed American, 0.015%; no homozygotes.

Submissions (3):

PreventionGenetics, part of Exact Sciences
Classification: Uncertain significance for WNK1-related condition. Last evaluated: 2026-04-16. Review status: criteria provided, single submitter. Criteria: ACMG Guidelines, 2015. Collection method: clinical testing. Allele origin: germline.
Comment: The WNK1 c.2840C>A variant is predicted to result in the amino acid substitution p.Pro947Gln. To our knowledge, this variant has not been reported in the literature. This variant is reported in 0.020% of alleles in individuals of Latino descent in gnomAD. At this time, the clinical significance of this variant is uncertain due to the absence of conclusive functional and genetic evidence.

Fulgent Genetics
Classification: Uncertain significance for Neuropathy, hereditary sensory and autonomic, type 2A; Pseudohypoaldosteronism type 2C. Last evaluated: 2024-01-02. Review status: criteria provided, single submitter. Criteria: ACMG Guidelines, 2015. Collection method: clinical testing. Allele origin: germline.

GeneDx
Classification: Uncertain significance. Last evaluated: 2023-05-01. Review status: criteria provided, single submitter. Criteria: GeneDx Variant Classification Process June 2021. Collection method: clinical testing. Allele origin: germline. Affected: yes.
Comment: Has not been previously published as pathogenic or benign to our knowledge; In silico analysis supports that this variant does not alter splicing; Reported using an alternate transcript of the gene

NM_018979.4(WNK1):c.2840C>A (p.Pro947Gln)

Gene: WNK1 (WNK lysine deficient protein kinase 1; plus strand). Cytogenetic location: 12p13.33.
Variant type: single nucleotide variant.
Coding change: c.2840C>A on transcript NM_018979.4 (MANE Select); coding-DNA position 2840, C replaced by A.
Protein change: p.Pro947Gln; replaces proline 947 with glutamine.
Molecular consequence: missense variant. On other transcripts: intron variant (2).
Genome position (GRCh38, 1-based): chr12:880,728, C>A. VCF-style: chr12-880728-C-A. GRCh37 (hg19) VCF-style: chr12-989894-C-A.
Other names: c.3620C>A, p.Pro1207Gln (NM_001184985.2); c.3868-964C>A (NM_213655.5); c.2371-964C>A (NM_014823.3); c.2840C>A (NM_018979.3); short protein forms P1207Q, P947Q.
Identifiers: ClinVar variation 2662082 (VCV002662082.3), dbSNP rs761206171, ClinGen allele CA6382593.
Genomic context (GRCh38, chr12:880,728, plus strand): 5'-TAATTTATTGACCCCCAACCTGCTCTAACTCACCTTCCTCATTTCTGTCACAGGGCTTCC[C>A]ACCTCGACTGCCACCACAGTACCCAGGAGATTCAAATATTGCTCCCTCTTCCAACGTGGC-3'
Protein context (NP_061852.3, residues 937-957): SSGDVLYQGF[Pro947Gln]PRLPPQYPGD